The following is an entry in ClinVar:

ClinVar aggregate classification (germline): Pathogenic (1 of 4 stars; one submission).

Conditions:
Hereditary cancer-predisposing syndrome. Also called: Hereditary Cancer Syndrome; Hereditary neoplastic syndrome; Neoplastic Syndromes, Hereditary; Tumor predisposition. Identifiers: Orphanet 140162, MedGen C0027672, MeSH D009386, MONDO:0015356.

Submission:

Ambry Genetics
Classification: Pathogenic for Hereditary cancer-predisposing syndrome. Last evaluated: 2021-05-22. Review status: criteria provided, single submitter. Criteria: Ambry Variant Classification Scheme 2023. Collection method: clinical testing. Allele origin: germline.
Comment: The c.4263delT pathogenic mutation, located in coding exon 15 of the APC gene, results from a deletion of one nucleotide at nucleotide position 4263, causing a translational frameshift with a predicted alternate stop codon (p.S1421Rfs*52). This alteration is expected to result in loss of function by premature protein truncation or nonsense-mediated mRNA decay. As such, this alteration is interpreted as a disease-causing mutation.

NM_000038.6(APC):c.4263del (p.Ser1421fs)

Gene: APC (APC regulator of Wnt signaling pathway; plus strand). Cytogenetic location: 5q22.2.
Variant type: Deletion.
Coding change: c.4263del on transcript NM_000038.6 (MANE Select); coding-DNA position 4263, one base deleted (T; older notation c.4263delT).
Protein change: p.Ser1421fs; shifts the reading frame from serine 1421.
Molecular consequence: frameshift variant.
Genome position (GRCh38, 1-based): chr5:112,839,857, T deleted. VCF-style (leftmost placement, unchanged base first): chr5-112839856-GT-G. GRCh37 (hg19) VCF-style: chr5-112175553-GT-G.
Other names: c.4263del, p.Ser1421fs (NM_001127510.3, NM_001354895.2); c.4209del, p.Ser1403fs (NM_001127511.3); c.4317del, p.Ser1439fs (NM_001354896.2); c.4293del, p.Ser1431fs (NM_001354897.2); c.4188del, p.Ser1396fs (NM_001354898.2); c.4179del, p.Ser1393fs (NM_001354899.2); c.4140del, p.Ser1380fs (NM_001354900.2); c.4086del, p.Ser1362fs (NM_001354901.2); and 16 more; short protein forms S1295fs, S1330fs, S1380fs, S1431fs, S1439fs, S1138fs, S1362fs, S1396fs.
Identifiers: ClinVar variation 1739187 (VCV001739187.2), dbSNP rs2533561048, ClinGen allele CA445964412.